The following is an entry in ClinVar:

ClinVar aggregate classification (germline): Uncertain significance (1 of 4 stars; one submission).

Conditions:
EGFR-related lung cancer (EGFR). Identifiers: MedGen CN130014.

Allele frequency attached by ClinVar (database versions not stated): TOPMed below 0.00001.

Submission:

Labcorp Genetics (formerly Invitae), Labcorp
Classification: Uncertain significance for EGFR-related lung cancer. Last evaluated: 2021-09-03. Review status: criteria provided, single submitter. Criteria: Invitae Variant Classification Sherloc (09022015). Collection method: clinical testing. Allele origin: germline.
Comment: In summary, the available evidence is currently insufficient to determine the role of this variant in disease. Therefore, it has been classified as a Variant of Uncertain Significance. Algorithms developed to predict the effect of missense changes on protein structure and function (SIFT, PolyPhen-2, Align-GVGD) all suggest that this variant is likely to be tolerated. This variant has not been reported in the literature in individuals affected with EGFR-related conditions. This variant is not present in population databases (ExAC no frequency). This sequence change replaces arginine with threonine at codon 1100 of the EGFR protein (p.Arg1100Thr). The arginine residue is weakly conserved and there is a moderate physicochemical difference between arginine and threonine.

NM_005228.5(EGFR):c.3299G>C (p.Arg1100Thr)

Gene: EGFR (epidermal growth factor receptor; plus strand). Cytogenetic location: 7p11.2.
Variant type: single nucleotide variant.
Coding change: c.3299G>C on transcript NM_005228.5 (MANE Select); coding-DNA position 3299, G replaced by C.
Protein change: p.Arg1100Thr; replaces arginine 1100 with threonine.
Molecular consequence: missense variant.
Genome position (GRCh38, 1-based): chr7:55,205,283, G>C. VCF-style: chr7-55205283-G-C. GRCh37 (hg19) VCF-style: chr7-55272976-G-C.
Other names: c.3164G>C, p.Arg1055Thr (NM_001346899.2); c.3140G>C, p.Arg1047Thr (NM_001346900.2); c.2498G>C, p.Arg833Thr (NM_001346941.2); short protein forms R833T, R1055T, R1047T, R1100T.
Identifiers: ClinVar variation 1472866 (VCV001472866.6), dbSNP rs1788062582, ClinGen allele CA367584319.
Genomic context (GRCh38, chr7:55,205,283, plus strand): 5'-ATTACTTCACCTCTGATTTCTTTCCACTTTCAGAATACATAAACCAGTCCGTTCCCAAAA[G>C]GCCCGCTGGCTCTGTGCAGAATCCTGTCTATCACAATCAGCCTCTGAACCCCGCGCCCAG-3'
Protein context (NP_005219.2, residues 1090-1110): PEYINQSVPK[Arg1100Thr]PAGSVQNPVY